The following is an entry in ClinVar:

ClinVar aggregate classification (germline): Uncertain significance (1 of 4 stars; one submission).

Conditions:
Malignant hyperthermia, susceptibility to, 1 (MHS1). Also called: Anesthesia related hyperthermia; Malignant hyperpyrexia; Fulminating hyperpyrexia; Pharmacogenic myopathy; RYR1-Related Malignant Hyperthermia Susceptibility; Malignant hyperthermia suceptibility 1. Identifiers: Orphanet 423, MedGen C2930980, MONDO:0007783, OMIM 145600.

Submission:

All of Us Research Program, National Institutes of Health
Classification: Uncertain significance for Malignant hyperthermia, susceptibility to, 1. Last evaluated: 2024-04-16. Review status: criteria provided, single submitter. Criteria: ACMG Guidelines, 2015. Collection method: clinical testing. Allele origin: germline. Inheritance: Autosomal dominant inheritance. Observed: 1 variant allele, 1 heterozygote.
Comment: This missense variant replaces glycine with aspartic acid at codon 2 of the RYR1 protein. Computational prediction suggests that this variant may not impact protein structure and function. To our knowledge, functional studies have not been reported for this variant. This variant has not been reported in individuals affected with RYR1-related disorders in the literature. This variant has not been identified in the general population by the Genome Aggregation Database (gnomAD). The available evidence is insufficient to determine the role of this variant in disease conclusively. Therefore, this variant is classified as a Variant of Uncertain Significance.

This study involves interpretation of variants in research participants for the purpose of population health screening. Participant phenotype was not available at the time of variant classification. Additional details can be found in publication PMID: 35346344, PMCID: PMC8962531

NM_000540.3(RYR1):c.5G>A (p.Gly2Asp)

Gene: RYR1 (ryanodine receptor 1; plus strand). Cytogenetic location: 19q13.2.
Variant type: single nucleotide variant.
Coding change: c.5G>A on transcript NM_000540.3 (MANE Select); coding-DNA position 5, G replaced by A.
Protein change: p.Gly2Asp; replaces glycine 2 with aspartic acid.
Molecular consequence: missense variant.
Genome position (GRCh38, 1-based): chr19:38,433,834, G>A. VCF-style: chr19-38433834-G-A. GRCh37 (hg19) VCF-style: chr19-38924474-G-A.
Other names: c.5G>A, p.Gly2Asp (NM_001042723.2); short protein forms G2D.
Identifiers: ClinVar variation 3387612 (VCV003387612.1).